The following is an entry in ClinVar:

ClinVar aggregate classification (germline): Conflicting classifications of pathogenicity. Review status: criteria provided, conflicting classifications (1 of 4 stars). 5 submissions from 5 submitters: Uncertain significance (1); Likely benign (3). 1 of the submissions does not count toward it. Last evaluated 2025-02-16.

Conditions:
KANSL1-related disorder. Also called: KANSL1-related condition.
Inborn genetic diseases. Identifiers: MedGen C0950123, MeSH D030342.
Koolen-de Vries syndrome (KDVS). Identifiers: Orphanet 96169, MedGen C1864871, MONDO:0012496, OMIM 610443.

Allele frequency attached by ClinVar (database versions not stated): gnomAD exomes 0.00004; TOPMed 0.00004; gnomAD 0.00005; ExAC 0.00006.
gnomAD v4.1: 70 of 1,605,690 alleles (0.0044%); highest among the groups gnomAD compares: Non-Finnish European, 0.0054%; no homozygotes.

Submissions (5):

Laboratory of Genetics, Children's Clinical University Hospital Latvia
Classification: Likely benign. Last evaluated: 2025-02-16. Review status: criteria provided, single submitter. Criteria: ACMG Guidelines, 2015. Collection method: clinical testing. Allele origin: germline. Affected: yes.

Ambry Genetics
Classification: Likely benign for Inborn genetic diseases. Last evaluated: 2024-09-27. Review status: criteria provided, single submitter. Criteria: Ambry Variant Classification Scheme 2023. Collection method: clinical testing. Allele origin: germline.

Labcorp Genetics (formerly Invitae), Labcorp
Classification: Uncertain significance for Koolen-de Vries syndrome. Last evaluated: 2021-09-01. Review status: criteria provided, single submitter. Criteria: Invitae Variant Classification Sherloc (09022015). Collection method: clinical testing. Allele origin: germline.
Comment: Due to the possible presence of a polymorphic segmental duplication, the location of the variant could not be unambiguously resolved. Variants with ambiguous mapping are still reported relative to the KANSL1 transcript. This sequence change replaces arginine with cysteine at codon 426 of the KANSL1 protein (p.Arg426Cys). The arginine residue is moderately conserved and there is a large physicochemical difference between arginine and cysteine. The frequency data for this variant in the population databases (ExAC) is considered unreliable due to the presence of homologous sequence, such as pseudogenes or paralogs, in the genome. This variant has not been reported in the literature in individuals with KANSL1-related conditions. ClinVar contains an entry for this variant (Variation ID: 205785). Algorithms developed to predict the effect of missense changes on protein structure and function output the following: SIFT: "Tolerated"; PolyPhen-2: "Benign"; Align-GVGD: "Class C0". The cysteine amino acid residue is found in multiple mammalian species, which suggests that this missense change does not adversely affect protein function. Until the location of this sequence change can be resolved, the clinical significance of this variant remains uncertain. It has been classified as a Variant of Uncertain Significance.

GeneDx
Classification: Likely benign. Last evaluated: 2020-11-20. Review status: criteria provided, single submitter. Criteria: GeneDx Variant Classification Process June 2021. Collection method: clinical testing. Allele origin: germline. Affected: yes.

PreventionGenetics, part of Exact Sciences
Classification: Uncertain significance for KANSL1-related condition. Last evaluated: 2024-02-23. Review status: no assertion criteria provided. Collection method: clinical testing. Allele origin: germline. Not counted in ClinVar's aggregate classification.
Comment: The KANSL1 c.1276C>T variant is predicted to result in the amino acid substitution p.Arg426Cys. To our knowledge, this variant has not been reported in the literature. This variant is reported in 0.011% of alleles in individuals of European (Non-Finnish) descent in gnomAD. At this time, the clinical significance of this variant is uncertain due to the absence of conclusive functional and genetic evidence.

NM_015443.4(KANSL1):c.1276C>T (p.Arg426Cys)

Gene: KANSL1 (KAT8 regulatory NSL complex subunit 1). Cytogenetic location: 17q21.31.
Variant type: single nucleotide variant.
Coding change: c.1276C>T on transcript NM_015443.4 (MANE Select); coding-DNA position 1276, C replaced by T.
Protein change: p.Arg426Cys; replaces arginine 426 with cysteine.
Molecular consequence: missense variant.
Genome position (GRCh38, 1-based): chr17:46,170,868, G>A on the plus strand (C>T on the coding strand, the complement: KANSL1 is on the minus strand). VCF-style: chr17-46170868-G-A. GRCh37 (hg19) VCF-style: chr17-44248234-G-A.
Other names: p.R426C:CGT>TGT; c.1276C>T, p.Arg426Cys (NM_001193465.2, NM_001193466.2, NM_001379198.1); short protein forms R426C.
Identifiers: ClinVar variation 205785 (VCV000205785.9), dbSNP rs757224600, ClinGen allele CA315196.